The following is an entry in ClinVar:

ClinVar aggregate classification (germline): Benign. Review status: criteria provided, multiple submitters, no conflicts (2 of 4 stars). 2 submissions from 2 submitters: Benign (2). Last evaluated 2018-01-12.

Conditions:
Autosomal recessive limb-girdle muscular dystrophy type 2N. Also called: MUSCULAR DYSTROPHY-DYSTROGLYCANOPATHY, LIMB-GIRDLE, POMT2-RELATED; Muscular dystrophy-dystroglycanopathy (limb-girdle), type C, 2. Identifiers: Orphanet 206559, MedGen C3150418, MONDO:0013162, OMIM 613158.

Allele frequency attached by ClinVar (database versions not stated): TOPMed 0.82932; gnomAD 0.83167 and 0.83310; 1000 Genomes Project 30x 0.85337; 1000 Genomes Project 0.85583; gnomAD exomes 0.85829.
gnomAD v4.1: 126,937 of 152,562 alleles (83%); highest among the groups gnomAD compares: East Asian, 95%; 52,990 homozygotes.

Submissions (2):

Illumina Laboratory Services, Illumina
Classification: Benign for Autosomal recessive limb-girdle muscular dystrophy type 2N. Last evaluated: 2018-01-12. Review status: criteria provided, single submitter. Criteria: ICSL Variant Classification Criteria 13 December 2019. Collection method: clinical testing. Allele origin: germline.
Comment: This variant was observed in the ICSL laboratory as part of a predisposition screen in an ostensibly healthy population. It had not been previously curated by ICSL or reported in the Human Gene Mutation Database (HGMD: prior to June 1st, 2018), and was therefore a candidate for classification through an automated scoring system. Utilizing variant allele frequency, disease prevalence and penetrance estimates, and inheritance mode, an automated score was calculated to assess if this variant is too frequent to cause the disease. Based on the score and internal cut-off values, a variant classified as benign is not then subjected to further curation. The score for this variant resulted in a classification of benign for this disease.

Breakthrough Genomics
Classification: Benign. Review status: criteria provided, single submitter. Criteria: ACMG Guidelines, 2015. Collection method: not provided. Allele origin: germline. Inheritance: Autosomal recessive inheritance. Affected: yes.

NM_013382.7(POMT2):c.*1501G>A

Gene: POMT2 (protein O-mannosyltransferase 2; minus strand). Cytogenetic location: 14q24.3.
Variant type: single nucleotide variant.
Coding change: c.*1501G>A on transcript NM_013382.7 (MANE Select); 1501 bases downstream of the stop codon, G replaced by A.
Molecular consequence: 3 prime UTR variant.
Genome position (GRCh38, 1-based): chr14:77,275,875, C>T on the plus strand (G>A on the coding strand, the complement: POMT2 is on the minus strand). VCF-style: chr14-77275875-C-T. GRCh37 (hg19) VCF-style: chr14-77742218-C-T.
Identifiers: ClinVar variation 314526 (VCV000314526.6), dbSNP rs4141640, ClinGen allele CA10646287.